The following is an entry in ClinVar:

NM_145068.4(TRPV3):c.1258C>T (p.Leu420=)

Gene: TRPV3 (transient receptor potential cation channel subfamily V member 3; minus strand). Cytogenetic location: 17p13.2.
Variant type: single nucleotide variant.
Coding change: c.1258C>T on transcript NM_145068.4 (MANE Select); coding-DNA position 1258, C replaced by T.
Protein change: p.Leu420=; no amino-acid change (leucine 420 retained).
Molecular consequence: synonymous variant.
Genome position (GRCh38, 1-based): chr17:3,528,980, G>A on the plus strand (C>T on the coding strand, the complement: TRPV3 is on the minus strand). VCF-style: chr17-3528980-G-A. GRCh37 (hg19) VCF-style: chr17-3432274-G-A.
Other names: c.1258C>T, p.Leu420= (NM_001258205.2).
Identifiers: ClinVar variation 322772 (VCV000322772.8), dbSNP rs199598561, ClinGen allele CA8289530.

ClinVar aggregate classification (germline): Benign. Review status: criteria provided, multiple submitters, no conflicts (2 of 4 stars). 3 submissions from 3 submitters: Benign (3). Last evaluated 2024-09-29.

Conditions:
Isolated focal non-epidermolytic palmoplantar keratoderma. Also called: Palmoplantar keratoderma, nonepidermolytic, focal 2. Identifiers: Orphanet 448264, MedGen C4225339, MONDO:0014622, OMIM 616400.

Allele frequency attached by ClinVar (database versions not stated): ExAC 0.00006; gnomAD exomes 0.00006; ESP Exome Variant Server 0.00008; gnomAD 0.00017; TOPMed 0.00020; 1000 Genomes Project 30x 0.00031; 1000 Genomes Project 0.00040.

Submissions (3):

Labcorp Genetics (formerly Invitae), Labcorp
Classification: Benign. Last evaluated: 2024-09-29. Review status: criteria provided, single submitter. Criteria: Invitae Variant Classification Sherloc (09022015). Collection method: clinical testing. Allele origin: germline.

Illumina Laboratory Services, Illumina
Classification: Benign for Isolated focal non-epidermolytic palmoplantar keratoderma. Last evaluated: 2018-01-12. Review status: criteria provided, single submitter. Criteria: ICSL Variant Classification Criteria 13 December 2019. Collection method: clinical testing. Allele origin: germline.
Comment: This variant was observed in the ICSL laboratory as part of a predisposition screen in an ostensibly healthy population. It had not been previously curated by ICSL or reported in the Human Gene Mutation Database (HGMD: prior to June 1st, 2018), and was therefore a candidate for classification through an automated scoring system. Utilizing variant allele frequency, disease prevalence and penetrance estimates, and inheritance mode, an automated score was calculated to assess if this variant is too frequent to cause the disease. Based on the score and internal cut-off values, a variant classified as benign is not then subjected to further curation. The score for this variant resulted in a classification of benign for this disease.

Breakthrough Genomics
Classification: Benign. Review status: criteria provided, single submitter. Criteria: ACMG Guidelines, 2015. Collection method: not provided. Allele origin: germline. Inheritance: Autosomal dominant inheritance. Affected: yes.